The following is an entry in ClinVar:

ClinVar aggregate classification (germline): Uncertain significance. Review status: criteria provided, multiple submitters, no conflicts (2 of 4 stars). 2 submissions from 2 submitters: Uncertain significance (2). Last evaluated 2023-08-04.

Allele frequency attached by ClinVar (database versions not stated): ESP Exome Variant Server 0.00008; ExAC 0.00005.
gnomAD v4.1: 30 of 1,613,344 alleles (0.0019%); highest among the groups gnomAD compares: African/African-American, 0.012%; no homozygotes.

Submissions (2):

Labcorp Genetics (formerly Invitae), Labcorp
Classification: Uncertain significance. Last evaluated: 2023-08-04. Review status: criteria provided, single submitter. Criteria: Invitae Variant Classification Sherloc (09022015). Collection method: clinical testing. Allele origin: germline.
Comment: In summary, the available evidence is currently insufficient to determine the role of this variant in disease. Therefore, it has been classified as a Variant of Uncertain Significance. Experimental studies and prediction algorithms are not available or were not evaluated, and the functional significance of this variant is currently unknown. ClinVar contains an entry for this variant (Variation ID: 1338093). This variant has not been reported in the literature in individuals affected with ERCC6L2-related conditions. This variant is present in population databases (rs142906169, gnomAD 0.02%). This sequence change replaces arginine, which is basic and polar, with histidine, which is basic and polar, at codon 249 of the ERCC6L2 protein (p.Arg249His).

Genetic Services Laboratory, University of Chicago
Classification: Uncertain significance. Last evaluated: 2021-10-04. Review status: criteria provided, single submitter. Criteria: ACMG Guidelines, 2015. Collection method: clinical testing. Allele origin: germline. Affected: no.
Comment: DNA sequence analysis of the ERCC6L2 gene demonstrated a sequence change, c.746G>A, in exon 4 that results in an amino acid change, p.Arg249His. This sequence change has been described in the gnomAD database with a frequency of 0.018% in the African/African American subpopulation (dbSNP rs142906169). The p.Arg249His change affects a moderately conserved amino acid residue located in a domain of the ERCC6L2 protein that is not known to be functional. In-silico pathogenicity prediction tools (SIFT, PolyPhen2, Align GVGD, REVEL) provide contradictory results for the p.Arg249His substitution. This sequence change does not appear to have been previously described in individuals with ERCC6L2-related disorders. Due to insufficient evidence and the lack of functional studies, the clinical significance of the p.Arg249His change remains unknown at this time.

NM_020207.7(ERCC6L2):c.713G>A (p.Arg238His)

Gene: ERCC6L2 (ERCC excision repair 6 like 2; plus strand). Cytogenetic location: 9q22.32.
Variant type: single nucleotide variant.
Coding change: c.713G>A on transcript NM_020207.7 (MANE Select); coding-DNA position 713, G replaced by A.
Protein change: p.Arg238His; replaces arginine 238 with histidine.
Molecular consequence: missense variant. On other transcripts: non-coding transcript variant (1).
Genome position (GRCh38, 1-based): chr9:95,907,196, G>A. VCF-style: chr9-95907196-G-A. GRCh37 (hg19) VCF-style: chr9-98669478-G-A.
Other names: c.713G>A, p.Arg238His (NM_001010895.4, NM_001375291.1, NM_001375292.1 and 2 more transcripts); short protein forms R238H.
Identifiers: ClinVar variation 1338093 (VCV001338093.6), dbSNP rs142906169, ClinGen allele CA5139358.